The following is an entry in ClinVar:

NM_001042432.2(CLN3):c.288T>A (p.Ser96=)

Gene: CLN3 (CLN3 lysosomal/endosomal transmembrane protein, battenin; minus strand). Cytogenetic location: 16p12.1.
Variant type: single nucleotide variant.
Coding change: c.288T>A on transcript NM_001042432.2 (MANE Select); coding-DNA position 288, T replaced by A.
Protein change: p.Ser96=; no amino-acid change (serine 96 retained).
Molecular consequence: synonymous variant. On other transcripts: missense variant (1), intron variant (2).
Genome position (GRCh38, 1-based): chr16:28,488,597, A>T on the plus strand (T>A on the coding strand, the complement: CLN3 is on the minus strand). VCF-style: chr16-28488597-A-T. GRCh37 (hg19) VCF-style: chr16-28499918-A-T.
Other names: c.288T>A, p.Ser96= (NM_000086.2); c.68T>A, p.Leu23Gln (NM_001286105.2); c.126T>A, p.Ser42= (NM_001286110.2); c.60+693T>A (NM_001286109.2); c.222+693T>A (NM_001286104.2); short protein forms L23Q.
Identifiers: ClinVar variation 508909 (VCV000508909.9), dbSNP rs1555469051, ClinGen allele CA395346193.

ClinVar aggregate classification (germline): Likely benign. Review status: criteria provided, multiple submitters, no conflicts (2 of 4 stars). 2 submissions from 2 submitters: Likely benign (2). Last evaluated 2023-10-12.

Conditions:
Neuronal ceroid lipofuscinosis. Also called: Neuronal Ceroid Lipofuscinoses. Identifiers: Orphanet 216, Orphanet 79263, MedGen C0027877, MONDO:0016295. Disease mechanism: loss of function.

gnomAD v4.1: 2 of 1,614,168 alleles (0.00012%); highest among the groups gnomAD compares: Non-Finnish European, 0.00017%; no homozygotes.

Submissions (2):

Labcorp Genetics (formerly Invitae), Labcorp
Classification: Likely benign for Neuronal ceroid lipofuscinosis. Last evaluated: 2023-10-12. Review status: criteria provided, single submitter. Criteria: Invitae Variant Classification Sherloc (09022015). Collection method: clinical testing. Allele origin: germline.

GeneDx
Classification: Likely benign. Last evaluated: 2017-04-12. Review status: criteria provided, single submitter. Criteria: GeneDx Variant Classification (06012015). Collection method: clinical testing. Allele origin: germline. Affected: yes.
Comment: This variant is considered likely benign or benign based on one or more of the following criteria: it is a conservative change, it occurs at a poorly conserved position in the protein, it is predicted to be benign by multiple in silico algorithms, and/or has population frequency not consistent with disease.